The following is an entry in ClinVar:

NM_003738.5(PTCH2):c.2560G>C (p.Glu854Gln)

Gene: PTCH2 (patched 2; minus strand). Cytogenetic location: 1p34.1.
Variant type: single nucleotide variant.
Coding change: c.2560G>C on transcript NM_003738.5 (MANE Select); coding-DNA position 2560, G replaced by C.
Protein change: p.Glu854Gln; replaces glutamic acid 854 with glutamine.
Molecular consequence: missense variant.
Genome position (GRCh38, 1-based): chr1:44,827,037, C>G on the plus strand (G>C on the coding strand, the complement: PTCH2 is on the minus strand). VCF-style: chr1-44827037-C-G. GRCh37 (hg19) VCF-style: chr1-45292709-C-G.
Other names: c.2560G>C, p.Glu854Gln (NM_001166292.2); short protein forms E854Q.
Identifiers: ClinVar variation 3048813 (VCV003048813.2), dbSNP rs149133805, ClinGen allele CA340094640.
Genomic context (GRCh38, chr1:44,827,037, plus strand): 5'-AGGCTGCCAGACCCAGGGGGTCACTGCTCACCCACACGGTCAGCCCCATGTAGAAGAGCT[C>G]GGGTGGAATCAGTCCCTCTCTGTCCACCAGCTTCCTTGTGGTCAGCTGCAGAGGCAGAGA-3'
Protein context (NP_003729.3, residues 844-864): LVDREGLIPP[Glu854Gln]LFYMGLTVWV

ClinVar aggregate classification (germline): Uncertain significance (0 of 4 stars; one submission).

Conditions:
PTCH2-related disorder. Also called: PTCH2-related disease; PTCH2-related condition.

Submission:

PreventionGenetics, part of Exact Sciences
Classification: Uncertain significance for PTCH2-related condition. Last evaluated: 2023-12-19. Review status: no assertion criteria provided. Collection method: clinical testing. Allele origin: germline.
Comment: The PTCH2 c.2560G>C variant is predicted to result in the amino acid substitution p.Glu854Gln. To our knowledge, this variant has not been reported in the literature or in a large population database, indicating this variant is rare. At this time, the clinical significance of this variant is uncertain due to the absence of conclusive functional and genetic evidence.